The following is an entry in ClinVar:

NM_015338.6(ASXL1):c.1926del (p.Gly645fs)

Gene: ASXL1 (ASXL transcriptional regulator 1; plus strand). Cytogenetic location: 20q11.21.
Variant type: Deletion.
Coding change: c.1926del on transcript NM_015338.6 (MANE Select); coding-DNA position 1926, one base deleted (A; older notation c.1926delA).
Protein change: p.Gly645fs; shifts the reading frame from glycine 645.
Molecular consequence: frameshift variant.
Genome position (GRCh38, 1-based): chr20:32,434,638, A deleted. VCF-style (leftmost placement, unchanged base first): chr20-32434637-GA-G. GRCh37 (hg19) VCF-style: chr20-31022440-GA-G.
Other names: c.1926del (NM_015338.5); c.1743del, p.Gly584fs (NM_001363734.1); short protein forms G584fs, G645fs.
Identifiers: ClinVar variation 4531256 (VCV004531256.2).
Genomic context (GRCh38, chr20:32,434,637, plus strand): 5'-TGCAGGTCCGAGGGGCGAGAGGTCACCACTGCCATAGAGAGGCGGCCACCACTGCCATCG[GA>G]GGGGGGGGTGGCCCGGGTGGAGGTGGCGGCGGGGCCACCGATGAGGGAGGTGGCAGAGGC-3'

ClinVar aggregate classification (germline): Likely pathogenic. Review status: criteria provided, multiple submitters, no conflicts (2 of 4 stars). 2 submissions from 2 submitters: Likely pathogenic (2). Last evaluated 2025-06-24.

Conditions:
Bohring-Opitz syndrome. Also called: C-LIKE SYNDROME; BOHRING SYNDROME; OPITZ TRIGONOCEPHALY-LIKE SYNDROME; ASXL1-Related Bohring-Opitz Syndrome. Identifiers: Orphanet 97297, MedGen C0796232, MONDO:0011510, OMIM 605039.

Submissions (2):

GeneDx
Classification: Likely pathogenic. Last evaluated: 2025-06-24. Review status: criteria provided, single submitter. Criteria: GeneDx Variant Classification Process June 2021. Collection method: clinical testing. Allele origin: germline. Affected: yes.
Comment: Frameshift variant predicted to result in abnormal protein length as the last 897 amino acids are replaced with 57 different amino acids, and other similar variants have been reported in HGMD; Not observed at significant frequency in large population cohorts (gnomAD); Has not been previously published as pathogenic or benign to our knowledge

Juno Genomics, Hangzhou Juno Genomics, Inc
Classification: Likely pathogenic for Bohring-Opitz syndrome. Review status: criteria provided, single submitter. Criteria: ACMG Guidelines, 2015. Collection method: clinical testing. Allele origin: germline. Affected: yes.
Comment: Absent from controls (or at extremely low frequency if recessive) in Genome Aggregation Database, Exome Sequencing Project, 1000 Genomes Project, or Exome Aggregation Consortium.;Null variant in a gene where loss of function (LOF) is a known mechanism of disease.;Assumed de novo, but without confirmation of paternity and maternity.